The following is an entry in ClinVar:

ClinVar aggregate classification (germline): Likely benign (1 of 4 stars; one submission).

Conditions:
Oligodontia-cancer predisposition syndrome. Also called: TOOTH AGENESIS-COLORECTAL CANCER SYNDROME. Identifiers: Orphanet 300576, MedGen C1837750, MONDO:0012075, OMIM 608615. Disease mechanism: loss of function.

Submission:

Myriad Genetics, Inc.
Classification: Likely benign for Oligodontia-cancer predisposition syndrome. Last evaluated: 2024-07-08. Review status: criteria provided, single submitter. Criteria: Myriad Autosomal Dominant, Autosomal Recessive and X-Linked Classification Criteria (2023). Collection method: clinical testing. Allele origin: unknown.
Comment: This variant is considered likely benign. This variant is intronic and is not expected to impact mRNA splicing.

NM_004655.4(AXIN2):c.1907+7A>C

Gene: AXIN2 (axin 2; minus strand). Cytogenetic location: 17q24.1.
Variant type: single nucleotide variant.
Coding change: c.1907+7A>C on transcript NM_004655.4 (MANE Select); 7 bases into the intron after coding-DNA position 1907, A replaced by C.
Molecular consequence: intron variant.
Genome position (GRCh38, 1-based): chr17:65,536,862, T>G on the plus strand (A>C on the coding strand, the complement: AXIN2 is on the minus strand). VCF-style: chr17-65536862-T-G. GRCh37 (hg19) VCF-style: chr17-63532980-T-G.
Other names: c.1713-309A>C (NM_001363813.1).
Identifiers: ClinVar variation 3379088 (VCV003379088.1).